The following is an entry in ClinVar:

ClinVar aggregate classification (germline): Pathogenic (1 of 4 stars; one submission).

Conditions:
Nephronophthisis 9 (NPHP9). Identifiers: Orphanet 655, MedGen C3151188, MONDO:0013444, OMIM 613824.

Allele frequency attached by ClinVar (database versions not stated): gnomAD exomes below 0.00001; TOPMed below 0.00001; gnomAD 0.00001.

Submission:

Labcorp Genetics (formerly Invitae), Labcorp
Classification: Pathogenic for Nephronophthisis 9. Last evaluated: 2022-08-10. Review status: criteria provided, single submitter. Criteria: Invitae Variant Classification Sherloc (09022015). Collection method: clinical testing. Allele origin: germline.
Comment: For these reasons, this variant has been classified as Pathogenic. ClinVar contains an entry for this variant (Variation ID: 1413416). This variant has not been reported in the literature in individuals affected with NEK8-related conditions. This variant is not present in population databases (gnomAD no frequency). This sequence change creates a premature translational stop signal (p.Tyr666*) in the NEK8 gene. It is expected to result in an absent or disrupted protein product. Loss-of-function variants in NEK8 are known to be pathogenic (PMID: 23418306, 26967905).

Literature cited by the submitters: PubMed 23418306; PubMed 26967905.

NM_178170.3(NEK8):c.1997dup (p.Tyr666Ter)

Gene: NEK8 (NIMA related kinase 8; plus strand). Cytogenetic location: 17q11.2.
Variant type: Duplication.
Coding change: c.1997dup on transcript NM_178170.3 (MANE Select); coding-DNA position 1997, one base duplicated (A; older notation c.1997dupA).
Protein change: p.Tyr666Ter; replaces tyrosine 666 with a stop codon.
Molecular consequence: nonsense.
Genome position (GRCh38, 1-based): chr17:28,741,518, A duplicated. VCF-style (leftmost placement, unchanged base first): chr17-28741517-T-TA. GRCh37 (hg19) VCF-style: chr17-27068535-T-TA.
Other names: short protein forms Y666*.
Identifiers: ClinVar variation 1413416 (VCV001413416.6), dbSNP rs1226393603, ClinGen allele CA727788559.
Genomic context (GRCh38, chr17:28,741,517, plus strand): 5'-GGAAGGAGGGATGAGGATGCCGGACTCCCTCGGCCAGTGCAGTTGGATGAGACACACCCT[T>TA]ACACGGTGACTTCCGTGTCCTGTTGCCATGGAAACACCCTCCTGGCTGTTCGATGTGAGT-3'